The following is an entry in ClinVar:

NM_145868.2(ANXA11):c.688C>T (p.Arg230Cys)

Gene: ANXA11 (annexin A11; minus strand). Cytogenetic location: 10q22.3.
Variant type: single nucleotide variant.
Coding change: c.688C>T on transcript NM_145868.2 (MANE Select); coding-DNA position 688, C replaced by T.
Protein change: p.Arg230Cys; replaces arginine 230 with cysteine.
Molecular consequence: missense variant.
Genome position (GRCh38, 1-based): chr10:80,166,946, G>A on the plus strand (C>T on the coding strand, the complement: ANXA11 is on the minus strand). VCF-style: chr10-80166946-G-A. GRCh37 (hg19) VCF-style: chr10-81926702-G-A.
Other names: p.Arg230Cys; c.688C>T, p.Arg230Cys (NM_001157.3, NM_001278407.2, NM_001278408.2 and 1 more transcripts); c.589C>T, p.Arg197Cys (NM_001278409.2); short protein forms R197C, R230C.
Identifiers: ClinVar variation 1297185 (VCV001297185.12), dbSNP rs1049550, ClinGen allele CA5576175.
Genomic context (GRCh38, chr10:80,166,946, plus strand): 5'-TCGCCTTGCCGTAAGCCGTCTTGAAGGAAAGTAGGATCTGCTGCCGCTGCTTGTTGGAGC[G>A]ACTCCCCAGGCAGTCAATGATGGCCTGCTCATCCGTCCCTGGAGGAAGAGGCAGCAGGGG-3'
Protein context (NP_665875.1, residues 220-240): EQAIIDCLGS[Arg230Cys]SNKQRQQILL

ClinVar aggregate classification (germline): Benign. Review status: criteria provided, multiple submitters, no conflicts (2 of 4 stars). 5 submissions from 5 submitters: Benign (5). Last evaluated 2026-02-04.

Conditions:
Inclusion body myopathy and brain white matter abnormalities (IBMWMA). Also called: MULTISYSTEM PROTEINOPATHY 6. Identifiers: MedGen C5676909, MONDO:0850514, OMIM 619733.

Allele frequency attached by ClinVar (database versions not stated): 1000 Genomes Project 0.39217; ESP Exome Variant Server 0.33923; TOPMed 0.35964; 1000 Genomes Project 30x 0.38476.

Submissions (5):

Labcorp Genetics (formerly Invitae), Labcorp
Classification: Benign. Last evaluated: 2026-02-04. Review status: criteria provided, single submitter. Criteria: Invitae Variant Classification Sherloc (09022015). Collection method: clinical testing. Allele origin: germline.

Mayo Clinic Laboratories, Mayo Clinic
Classification: Benign. Last evaluated: 2022-12-15. Review status: criteria provided, single submitter. Criteria: ACMG Guidelines, 2015. Collection method: clinical testing. Allele origin: germline. Observed: 375 variant alleles.
Comment: BA1

Genome-Nilou Lab
Classification: Benign for Inclusion body myopathy and brain white matter abnormalities. Last evaluated: 2021-12-05. Review status: criteria provided, single submitter. Criteria: ACMG Guidelines, 2015. Collection method: clinical testing. Allele origin: germline. Affected: no.

GeneDx
Classification: Benign. Last evaluated: 2021-05-04. Review status: criteria provided, single submitter. Criteria: GeneDx Variant Classification Process June 2021. Collection method: clinical testing. Allele origin: germline. Affected: yes.
Comment: This variant is associated with the following publications: (PMID: 21562576, 20093723, 19165924, 17000706, 24032725)

Breakthrough Genomics
Classification: Benign. Review status: criteria provided, single submitter. Criteria: ACMG Guidelines, 2015. Collection method: not provided. Allele origin: germline. Inheritance: Autosomal dominant inheritance. Affected: yes.

Literature cited by the submitters: PubMed 29845112 (cited by Mayo Clinic Laboratories, Mayo Clinic).